The following is an entry in ClinVar:

NM_000536.4(RAG2):c.644C>A (p.Thr215Asn)

Gene: RAG2 (recombination activating 2; minus strand). Cytogenetic location: 11p12.
Variant type: single nucleotide variant.
Coding change: c.644C>A on transcript NM_000536.4 (MANE Select); coding-DNA position 644, C replaced by A.
Protein change: p.Thr215Asn; replaces threonine 215 with asparagine.
Molecular consequence: missense variant.
Genome position (GRCh38, 1-based): chr11:36,593,525, G>T on the plus strand (C>A on the coding strand, the complement: RAG2 is on the minus strand). VCF-style: chr11-36593525-G-T. GRCh37 (hg19) VCF-style: chr11-36615075-G-T.
Other names: c.644C>A, p.Thr215Asn (NM_001243785.2, NM_001243786.2); short protein forms T215N.
Identifiers: ClinVar variation 1426815 (VCV001426815.5), dbSNP rs35691292, ClinGen allele CA5950547.
Genomic context (GRCh38, chr11:36,593,525, plus strand): 5'-CTGTACAGGTTGGCAGGCCGGATATTATTGGCAAGTGAATGTCCTCCTAAAATATAGATG[G>T]TGTCATTTTTGGCAATAGAGACATGAAAAGATAGCCCATCCTGAAGTTCTGGAAGAATGT-3'
Protein context (NP_000527.2, residues 205-225): SFHVSIAKND[Thr215Asn]IYILGGHSLA

ClinVar aggregate classification (germline): Uncertain significance (1 of 4 stars; one submission).

Conditions:
Severe combined immunodeficiency, autosomal recessive, T cell-negative, B cell-negative, NK cell-positive. Also called: SCID, T CELL-NEGATIVE, B CELL-NEGATIVE, NK CELL-POSITIVE; SCID, AR, T-cell negative, B-cell negative, NK cell-positive; Severe combined immunodeficiency due to complete RAG1/2 deficiency. Identifiers: Orphanet 331206, MedGen C1832322, MONDO:0011086, OMIM 601457.
Combined immunodeficiency with skin granulomas. Identifiers: Orphanet 157949, MedGen C2673536, MONDO:0009306, OMIM 233650.

gnomAD v4.1: 55 of 1,614,024 alleles (0.0034%); highest among the groups gnomAD compares: Non-Finnish European, 0.0045%; no homozygotes.

Submission:

Labcorp Genetics (formerly Invitae), Labcorp
Classification: Uncertain significance for Combined immunodeficiency with skin granulomas; Severe combined immunodeficiency, autosomal recessive, T cell-negative, B cell-negative, NK cell-positive. Last evaluated: 2022-06-17. Review status: criteria provided, single submitter. Criteria: Invitae Variant Classification Sherloc (09022015). Collection method: clinical testing. Allele origin: germline.
Comment: This sequence change replaces threonine, which is neutral and polar, with asparagine, which is neutral and polar, at codon 215 of the RAG2 protein (p.Thr215Asn). This variant is present in population databases (rs35691292, gnomAD 0.003%). This variant has not been reported in the literature in individuals affected with RAG2-related conditions. Algorithms developed to predict the effect of missense changes on protein structure and function are either unavailable or do not agree on the potential impact of this missense change (SIFT: "Deleterious"; PolyPhen-2: "Probably Damaging"; Align-GVGD: "Class C0"). In summary, the available evidence is currently insufficient to determine the role of this variant in disease. Therefore, it has been classified as a Variant of Uncertain Significance.